The following is an entry in ClinVar:

NC_000015.9:g.(?_78857986)_(81282132_?)dup

Genes: ABHD17C (abhydrolase domain containing 17C, depalmitoylase; plus strand), ADAMTS7 (ADAM metallopeptidase with thrombospondin type 1 motif 7; minus strand), ANKRD34C (ankyrin repeat domain 34C; plus strand), ARNT2 (aryl hydrocarbon receptor nuclear translocator 2; plus strand), BCL2A1 (BCL2 related protein A1; minus strand) and 16 more. Cytogenetic location: 15q25.1.
Variant type: Duplication.
Identifiers: ClinVar variation 2425995 (VCV002425995.3).

ClinVar aggregate classification (germline): Uncertain significance (1 of 4 stars; one submission).

Submission:

Labcorp Genetics (formerly Invitae), Labcorp
Classification: Uncertain significance. Last evaluated: 2022-09-01. Review status: criteria provided, single submitter. Criteria: Invitae Variant Classification Sherloc (09022015). Collection method: clinical testing. Allele origin: germline.
Comment: A copy number gain of the genomic region encompassing the full coding sequence of the ARNT2 gene has been identified. The boundaries of this event are unknown as they extend beyond the assayed region for this gene and therefore may encompass additional genes. As the precise location of this event is unknown, it may be in tandem or it may be located elsewhere in the genome. This variant has not been reported in the literature in individuals affected with ARNT2-related conditions. In summary, the available evidence is currently insufficient to determine the role of this variant in disease. Therefore, it has been classified as a Variant of Uncertain Significance.